The following is an entry in ClinVar:

NM_025099.6(CTC1):c.421G>T (p.Val141Phe)

Gene: CTC1 (CST telomere replication complex component 1; minus strand). Cytogenetic location: 17p13.1.
Variant type: single nucleotide variant.
Coding change: c.421G>T on transcript NM_025099.6 (MANE Select); coding-DNA position 421, G replaced by T.
Protein change: p.Val141Phe; replaces valine 141 with phenylalanine.
Molecular consequence: missense variant. On other transcripts: non-coding transcript variant (1).
Genome position (GRCh38, 1-based): chr17:8,238,406, C>A on the plus strand (G>T on the coding strand, the complement: CTC1 is on the minus strand). VCF-style: chr17-8238406-C-A. GRCh37 (hg19) VCF-style: chr17-8141724-C-A.
Other names: c.421G>T, p.Val141Phe (NM_001411067.1); short protein forms V141F.
Identifiers: ClinVar variation 4761980 (VCV004761980.1).

ClinVar aggregate classification (germline): Uncertain significance (1 of 4 stars; one submission).

Conditions:
Dyskeratosis congenita. Identifiers: Orphanet 1775, MedGen C0265965, MONDO:0015780.

gnomAD v4.1: 1 of 1,613,834 alleles (0.000062%); highest among the groups gnomAD compares: Non-Finnish European, 0.000085%; no homozygotes.

Submission:

Labcorp Genetics (formerly Invitae), Labcorp
Classification: Uncertain significance for Dyskeratosis congenita. Last evaluated: 2025-12-24. Review status: criteria provided, single submitter. Criteria: Invitae Variant Classification Sherloc (09022015). Collection method: clinical testing. Allele origin: germline.
Comment: This sequence change replaces valine, which is neutral and non-polar, with phenylalanine, which is neutral and non-polar, at codon 141 of the CTC1 protein (p.Val141Phe). This variant is not present in population databases (gnomAD no frequency). This variant has not been reported in the literature in individuals affected with CTC1-related conditions. Invitae Evidence Modeling of protein sequence and biophysical properties (such as structural, functional, and spatial information, amino acid conservation, physicochemical variation, residue mobility, and thermodynamic stability) indicates that this missense variant is not expected to disrupt CTC1 protein function with a negative predictive value of 80%. In summary, the available evidence is currently insufficient to determine the role of this variant in disease. Therefore, it has been classified as a Variant of Uncertain Significance.